The following is an entry in ClinVar:

ClinVar aggregate classification (germline): Uncertain significance. Review status: criteria provided, multiple submitters, no conflicts (2 of 4 stars). 2 submissions from 2 submitters: Uncertain significance (2). Last evaluated 2025-08-03.

Conditions:
Charcot-Marie-tooth disease, axonal, type 2DD. Also called: CHARCOT-MARIE-TOOTH NEUROPATHY, TYPE 2DD. Identifiers: Orphanet 521414, MedGen C4747974, MONDO:0054833, OMIM 618036.
Hypomagnesemia, seizures, and impaired intellectual development 2. Also called: Hypomagnesemia, seizures, and intellectual disability 2. Identifiers: MedGen C5193023, MONDO:0020788, OMIM 618314.

Allele frequency attached by ClinVar (database versions not stated): gnomAD exomes below 0.00001.

Submissions (2):

Labcorp Genetics (formerly Invitae), Labcorp
Classification: Uncertain significance. Last evaluated: 2025-08-03. Review status: criteria provided, single submitter. Criteria: Invitae Variant Classification Sherloc (09022015). Collection method: clinical testing. Allele origin: germline.
Comment: This sequence change replaces arginine, which is basic and polar, with lysine, which is basic and polar, at codon 513 of the ATP1A1 protein (p.Arg513Lys). This variant is not present in population databases (gnomAD no frequency). This variant has not been reported in the literature in individuals affected with ATP1A1-related conditions. ClinVar contains an entry for this variant (Variation ID: 2986874). Invitae Evidence Modeling of protein sequence and biophysical properties (such as structural, functional, and spatial information, amino acid conservation, physicochemical variation, residue mobility, and thermodynamic stability) indicates that this missense variant is not expected to disrupt ATP1A1 protein function with a negative predictive value of 95%. In summary, the available evidence is currently insufficient to determine the role of this variant in disease. Therefore, it has been classified as a Variant of Uncertain Significance.

Pediatric/Medical Genetics, Ministry of Health, Qatif Central Hospital
Classification: Uncertain significance for Charcot-Marie-tooth disease, axonal, type 2DD; Hypomagnesemia, seizures, and impaired intellectual development 2. Review status: criteria provided, single submitter. Criteria: ACMG Guidelines, 2015. Collection method: clinical testing. Allele origin: germline. Affected: yes. Observed: 1 heterozygote.

NM_000701.8(ATP1A1):c.1538G>A (p.Arg513Lys)

Genes: ATP1A1 (ATPase Na+/K+ transporting subunit alpha 1; plus strand), ATP1A1-AS1 (ATP1A1 antisense RNA 1; minus strand). Cytogenetic location: 1p13.1.
Variant type: single nucleotide variant.
Coding change: c.1538G>A on transcript NM_000701.8 (MANE Select); coding-DNA position 1538, G replaced by A.
Protein change: p.Arg513Lys; replaces arginine 513 with lysine.
Molecular consequence: missense variant.
Genome position (GRCh38, 1-based): chr1:116,393,601, G>A. VCF-style: chr1-116393601-G-A. GRCh37 (hg19) VCF-style: chr1-116936223-G-A.
Other names: c.1538G>A, p.Arg513Lys (NM_001160233.2); c.1445G>A, p.Arg482Lys (NM_001160234.2); short protein forms R482K, R513K.
Identifiers: ClinVar variation 2986874 (VCV002986874.4), dbSNP rs1652651707, ClinGen allele CA341770996.